The following is an entry in ClinVar:

NM_001330691.3(CEP78):c.104G>T (p.Arg35Leu)

Gene: CEP78 (centrosomal protein 78; plus strand). Cytogenetic location: 9q21.2.
Variant type: single nucleotide variant.
Coding change: c.104G>T on transcript NM_001330691.3 (MANE Select); coding-DNA position 104, G replaced by T.
Protein change: p.Arg35Leu; replaces arginine 35 with leucine.
Molecular consequence: missense variant.
Genome position (GRCh38, 1-based): chr9:78,236,454, G>T. VCF-style: chr9-78236454-G-T. GRCh37 (hg19) VCF-style: chr9-80851370-G-T.
Other names: c.104G>T, p.Arg35Leu (NM_001098802.3, NM_001330693.3, NM_001330694.2 and 4 more transcripts); c.104G>T (NM_001098802.1); short protein forms R35L.
Identifiers: ClinVar variation 1463107 (VCV001463107.7), dbSNP rs756200672, ClinGen allele CA5094808.

ClinVar aggregate classification (germline): Uncertain significance. Review status: criteria provided, multiple submitters, no conflicts (2 of 4 stars). 2 submissions from 2 submitters: Uncertain significance (2). Last evaluated 2023-03-06.

Conditions:
Inborn genetic diseases. Identifiers: MedGen C0950123, MeSH D030342.

Allele frequency attached by ClinVar (database versions not stated): gnomAD exomes 0.00002; ExAC 0.00004.
gnomAD v4.1: 11 of 1,605,160 alleles (0.00069%); highest among the groups gnomAD compares: South Asian, 0.0034%; no homozygotes.

Submissions (2):

Ambry Genetics
Classification: Uncertain significance for Inborn genetic diseases. Last evaluated: 2023-03-06. Review status: criteria provided, single submitter. Criteria: Ambry Variant Classification Scheme 2023. Collection method: clinical testing. Allele origin: germline.

Labcorp Genetics (formerly Invitae), Labcorp
Classification: Uncertain significance. Last evaluated: 2022-07-14. Review status: criteria provided, single submitter. Criteria: Invitae Variant Classification Sherloc (09022015). Collection method: clinical testing. Allele origin: germline.
Comment: This sequence change replaces arginine, which is basic and polar, with leucine, which is neutral and non-polar, at codon 35 of the CEP78 protein (p.Arg35Leu). The frequency data for this variant in the population databases is considered unreliable, as metrics indicate poor data quality at this position in the gnomAD database. This variant has not been reported in the literature in individuals affected with CEP78-related conditions. ClinVar contains an entry for this variant (Variation ID: 1463107). Algorithms developed to predict the effect of missense changes on protein structure and function are either unavailable or do not agree on the potential impact of this missense change (SIFT: "Deleterious"; PolyPhen-2: "Probably Damaging"; Align-GVGD: "Class C0"). In summary, the available evidence is currently insufficient to determine the role of this variant in disease. Therefore, it has been classified as a Variant of Uncertain Significance.